The following is an entry in ClinVar:

NM_002386.4(MC1R):c.767C>A (p.Pro256His)

Gene: MC1R (melanocortin 1 receptor; plus strand). Cytogenetic location: 16q24.3.
Variant type: single nucleotide variant.
Coding change: c.767C>A on transcript NM_002386.4 (MANE Select); coding-DNA position 767, C replaced by A.
Protein change: p.Pro256His; replaces proline 256 with histidine.
Molecular consequence: missense variant.
Genome position (GRCh38, 1-based): chr16:89,920,025, C>A. VCF-style: chr16-89920025-C-A. GRCh37 (hg19) VCF-style: chr16-89986433-C-A.
Other names: short protein forms P256H.
Identifiers: ClinVar variation 5024076 (VCV005024076.1).

ClinVar aggregate classification (germline): Uncertain significance (1 of 4 stars; one submission).

Submission:

Ambry Genetics
Classification: Uncertain significance. Last evaluated: 2026-08-07. Review status: criteria provided, single submitter. Criteria: Ambry Variant Classification Scheme 2023. Collection method: clinical testing. Allele origin: germline.
Comment: The p.P256H variant (also known as c.767C>A), located in coding exon 1 of the MC1R gene, results from a C to A substitution at nucleotide position 767. The proline at codon 256 is replaced by histidine, an amino acid with similar properties. This amino acid position is conserved. In addition, this alteration is predicted to be deleterious by in silico analysis. Based on the available evidence, the clinical significance of this variant remains unclear.